The following is an entry in ClinVar:

NM_000038.6(APC):c.732G>A (p.Arg244=)

Gene: APC (APC regulator of Wnt signaling pathway; plus strand). Cytogenetic location: 5q22.2.
Variant type: single nucleotide variant.
Coding change: c.732G>A on transcript NM_000038.6 (MANE Select); coding-DNA position 732, G replaced by A.
Protein change: p.Arg244=; no amino-acid change (arginine 244 retained).
Molecular consequence: synonymous variant. On other transcripts: 5 prime UTR variant (1).
Genome position (GRCh38, 1-based): chr5:112,801,281, G>A. VCF-style: chr5-112801281-G-A. GRCh37 (hg19) VCF-style: chr5-112136978-G-A.
Other names: c.732G>A, p.Arg244= (NM_001127510.3, NM_001354895.2, NM_001354896.2 and 1 more transcripts); c.678G>A, p.Arg226= (NM_001127511.3); c.762G>A, p.Arg254= (NM_001354897.2, NM_001354902.2); c.657G>A, p.Arg219= (NM_001354898.2, NM_001354904.2); c.648G>A, p.Arg216= (NM_001354899.2); c.555G>A, p.Arg185= (NM_001354900.2, NM_001354901.2, NM_001354905.2); c.-304G>A (NM_001354906.2).
Identifiers: ClinVar variation 516251 (VCV000516251.18), dbSNP rs568914667, ClinGen allele CA047765.
Genomic context (GRCh38, chr5:112,801,281, plus strand): 5'-TGGGCTAAGAAAGCCTACACCATTTTTGCATGTACTGATGTTAACTCCATCTTAACAGAG[G>A]TCATCTCAGAACAAGCATGAAACCGGCTCACATGATGCTGAGCGGCAGAATGAAGGTCAA-3'
Protein context (NP_000029.2, residues 234-254): LLQSQATEAE[Arg244=]SSQNKHETGS

ClinVar aggregate classification (germline): Benign/Likely benign. Review status: criteria provided, multiple submitters, no conflicts (2 of 4 stars). 5 submissions from 5 submitters: Benign (1); Likely benign (4). Last evaluated 2025-11-24.

Conditions:
Familial adenomatous polyposis 1 (FAP1). Also called: FAMILIAL ADENOMATOUS POLYPOSIS 1, ATTENUATED; POLYPOSIS, ADENOMATOUS INTESTINAL. Identifiers: MedGen C2713442, MONDO:0021056, OMIM 175100. Disease mechanism: loss of function.
Hereditary cancer-predisposing syndrome. Also called: Hereditary Cancer Syndrome; Neoplastic Syndromes, Hereditary; Tumor predisposition; Hereditary neoplastic syndrome. Identifiers: Orphanet 140162, MedGen C0027672, MeSH D009386, MONDO:0015356.
Classic or attenuated familial adenomatous polyposis. Identifiers: MedGen CN372698, MONDO:0021057.

Allele frequency attached by ClinVar (database versions not stated): gnomAD 0.00001 and 0.00002; gnomAD exomes 0.00001 and 0.00003; TOPMed 0.00002; ExAC 0.00003.
gnomAD v4.1: 20 of 1,612,122 alleles (0.0012%); highest among the groups gnomAD compares: South Asian, 0.011%; no homozygotes.

Submissions (5):

Labcorp Genetics (formerly Invitae), Labcorp
Classification: Likely benign for Familial adenomatous polyposis 1. Last evaluated: 2025-11-24. Review status: criteria provided, single submitter. Criteria: Invitae Variant Classification Sherloc (09022015). Collection method: clinical testing. Allele origin: germline.

All of Us Research Program, National Institutes of Health
Classification: Likely benign for Classic or attenuated familial adenomatous polyposis. Last evaluated: 2024-04-16. Review status: criteria provided, single submitter. Criteria: ACMG Guidelines, 2015. Collection method: clinical testing. Allele origin: germline. Inheritance: Autosomal dominant inheritance. Observed: 1 variant allele, 1 heterozygote.
Comment: This study involves interpretation of variants in research participants for the purpose of population health screening. Participant phenotype was not available at the time of variant classification. Additional details can be found in publication PMID: 35346344, PMCID: PMC8962531

Myriad Genetics, Inc.
Classification: Benign for Familial adenomatous polyposis 1. Last evaluated: 2024-02-26. Review status: criteria provided, single submitter. Criteria: Myriad Autosomal Dominant, Autosomal Recessive and X-Linked Classification Criteria (2023). Collection method: clinical testing. Allele origin: unknown.
Comment: This variant is considered benign. This variant is a silent/synonymous amino acid change and it is not expected to impact splicing.

Ambry Genetics
Classification: Likely benign for Hereditary cancer-predisposing syndrome. Last evaluated: 2019-06-12. Review status: criteria provided, single submitter. Criteria: Ambry Variant Classification Scheme 2023. Collection method: clinical testing. Allele origin: germline.

GeneDx
Classification: Likely benign. Last evaluated: 2018-11-05. Review status: criteria provided, single submitter. Criteria: GeneDx Variant Classification Process June 2021. Collection method: clinical testing. Allele origin: germline. Affected: yes.